The following is an entry in ClinVar:

ClinVar aggregate classification (germline): Likely pathogenic (1 of 4 stars; one submission).

Conditions:
Mitochondrial complex I deficiency. Also called: NADH:Q(1) OXIDOREDUCTASE DEFICIENCY. Identifiers: Orphanet 2609, MedGen C1838979, MeSH C537475, MONDO:0100133.

Submission:

Natera, Inc.
Classification: Likely pathogenic for Mitochondrial complex I deficiency. Last evaluated: 2025-10-13. Review status: criteria provided, single submitter. Criteria: Natera Variant Classification Schema (03/2026). Collection method: clinical testing. Allele origin: germline.
Comment: The c.344G>T variant in NDUFS6 is a missense variant predicted to cause substitution of cysteine to phenylalanine at amino acid 115. This variant is rare in the general population with a frequency below the threshold expected for the associated phenotype(s). This variant has been observed in one or more individuals affected with the associated recessive disease, as either homozygous or compound heterozygous with a second variant (PMID: 35801790). A different variant at the same position has been determined to be Pathogenic or Likely Pathogenic. Computational prediction algorithms indicate this variant is likely to affect gene or protein function. Given the available evidence, this variant is classified as Likely Pathogenic.

Literature cited by the submitters: PubMed 35801790.

NM_004553.6(NDUFS6):c.344G>T (p.Cys115Phe)

Gene: NDUFS6 (NADH:ubiquinone oxidoreductase subunit S6; plus strand). Cytogenetic location: 5p15.33.
Variant type: single nucleotide variant.
Coding change: c.344G>T on transcript NM_004553.6 (MANE Select); coding-DNA position 344, G replaced by T.
Protein change: p.Cys115Phe; replaces cysteine 115 with phenylalanine.
Molecular consequence: missense variant.
Genome position (GRCh38, 1-based): chr5:1,815,885, G>T. VCF-style: chr5-1815885-G-T. GRCh37 (hg19) VCF-style: chr5-1815999-G-T.
Other names: short protein forms C115F.
Identifiers: ClinVar variation 4815359 (VCV004815359.1).